The following is an entry in ClinVar:

NM_000722.4(CACNA2D1):c.659-18_659-17dup

Gene: CACNA2D1 (calcium voltage-gated channel auxiliary subunit alpha2delta 1; minus strand). Cytogenetic location: 7q21.11.
Variant type: Duplication.
Coding change: c.659-18_659-17dup on transcript NM_000722.4 (MANE Select); 18 bases into the intron before coding-DNA position 659 through 17 bases into the intron before coding-DNA position 659, 2 bases duplicated (TT; older notation c.659-18_659-17dupTT).
Molecular consequence: intron variant.
Genome position (GRCh38, 1-based): chr7:82,066,527-82,066,528, AA duplicated on the plus strand (TT on the coding strand, the reverse complement: CACNA2D1 is on the minus strand); duplicating any 2 consecutive bases within chr7:82,066,527-82,066,542 gives the same sequence; the c. name uses the placement nearest the transcript's 3' end. VCF-style (leftmost placement, unchanged base first): chr7-82066526-T-TAA. GRCh37 (hg19) VCF-style: chr7-81695842-T-TAA.
Other names: p.?; c.659-4_659-3dup (NM_000722.4); c.659-18_659-17dup (NM_001366867.1, NM_001302890.2).
Identifiers: ClinVar variation 1284710 (VCV001284710.8), dbSNP rs370103843, ClinGen allele CA4318272.

ClinVar aggregate classification (germline): Likely benign. Review status: criteria provided, multiple submitters, no conflicts (2 of 4 stars). 5 submissions from 5 submitters: Likely benign (2). 3 of the submissions do not count toward it. Last evaluated 2025-06-09.

Conditions:
Cardiovascular phenotype. Identifiers: MedGen CN230736.

Submissions (5):

Mayo Clinic Laboratories, Mayo Clinic
Classification: Likely benign. Last evaluated: 2025-06-09. Review status: criteria provided, single submitter. Criteria: ACMG Guidelines, 2015. Collection method: clinical testing. Allele origin: germline. Observed: 6 variant alleles.
Comment: BS2, BP4, BP7

Ambry Genetics
Classification: Likely benign for Cardiovascular phenotype. Last evaluated: 2019-08-09. Review status: criteria provided, single submitter. Criteria: Ambry Variant Classification Scheme 2023. Collection method: clinical testing. Allele origin: germline.

Clinical Genetics DNA and cytogenetics Diagnostics Lab, Erasmus MC, Erasmus Medical Center
Classification: Likely benign. Review status: no assertion criteria provided. Collection method: clinical testing. Allele origin: germline. Affected: yes. Study: VKGL Data-share Consensus. Not counted in ClinVar's aggregate classification.

Clinical Genetics, Academic Medical Center
Classification: Benign. Review status: no assertion criteria provided. Collection method: clinical testing. Allele origin: germline. Affected: yes. Study: VKGL Data-share Consensus. Not counted in ClinVar's aggregate classification.

Joint Genome Diagnostic Labs from Nijmegen and Maastricht, Radboudumc and MUMC+
Classification: Benign. Review status: no assertion criteria provided. Collection method: clinical testing. Allele origin: germline. Affected: yes. Study: VKGL Data-share Consensus. Not counted in ClinVar's aggregate classification.